The following is an entry in ClinVar:

ClinVar aggregate classification (germline): Uncertain significance (1 of 4 stars; one submission).

Submission:

GeneDx
Classification: Uncertain significance. Last evaluated: 2019-03-28. Review status: criteria provided, single submitter. Criteria: GeneDx Variant Classification Process June 2021. Collection method: clinical testing. Allele origin: germline. Affected: yes.
Comment: Not observed in large population cohorts (Lek et al., 2016); In silico analysis, which includes protein predictors and evolutionary conservation, supports that this variant does not alter protein structure/function; Has not been previously published as pathogenic or benign to our knowledge

NM_176787.5(PIGN):c.1648G>A (p.Ala550Thr)

Gene: PIGN (phosphatidylinositol glycan anchor biosynthesis class N; minus strand). Cytogenetic location: 18q21.33.
Variant type: single nucleotide variant.
Coding change: c.1648G>A on transcript NM_176787.5 (MANE Select); coding-DNA position 1648, G replaced by A.
Protein change: p.Ala550Thr; replaces alanine 550 with threonine.
Molecular consequence: missense variant.
Genome position (GRCh38, 1-based): chr18:62,107,012, C>T on the plus strand (G>A on the coding strand, the complement: PIGN is on the minus strand). VCF-style: chr18-62107012-C-T. GRCh37 (hg19) VCF-style: chr18-59774245-C-T.
Other names: c.1648G>A, p.Ala550Thr (NM_012327.6); short protein forms A550T.
Identifiers: ClinVar variation 1308298 (VCV001308298.2), dbSNP rs2034670400, ClinGen allele CA402605179.